The following is an entry in ClinVar:

NM_000059.4(BRCA2):c.2753A>G (p.Asn918Ser)

Gene: BRCA2 (BRCA2 DNA repair associated; plus strand). Cytogenetic location: 13q13.1.
Variant type: single nucleotide variant.
Coding change: c.2753A>G on transcript NM_000059.4 (MANE Select); coding-DNA position 2753, A replaced by G.
Protein change: p.Asn918Ser; replaces asparagine 918 with serine.
Molecular consequence: missense variant.
Genome position (GRCh38, 1-based): chr13:32,337,108, A>G. VCF-style: chr13-32337108-A-G. GRCh37 (hg19) VCF-style: chr13-32911245-A-G.
Other names: short protein forms N918S.
Identifiers: ClinVar variation 1468923 (VCV001468923.9), dbSNP rs2137489532, ClinGen allele CA387773645.

ClinVar aggregate classification (germline): Conflicting classifications of pathogenicity. Review status: criteria provided, conflicting classifications (1 of 4 stars). 2 submissions from 2 submitters: Uncertain significance (1); Likely benign (1). Last evaluated 2023-03-23.

Conditions:
Hereditary cancer-predisposing syndrome. Also called: Tumor predisposition; Hereditary Cancer Syndrome; Hereditary neoplastic syndrome; Neoplastic Syndromes, Hereditary. Identifiers: Orphanet 140162, MedGen C0027672, MeSH D009386, MONDO:0015356.
Hereditary breast ovarian cancer syndrome. Also called: BRCA1- and BRCA2-Associated Hereditary Breast and Ovarian Cancer; Hereditary breast and ovarian cancer; Hereditary breast and ovarian cancer syndrome; Hereditary breast and ovarian cancer syndrome (HBOC); Breast and ovarian cancer; Hereditary breast and/or ovarian cancer syndrome. Identifiers: Orphanet 145, MedGen C0677776, MeSH D061325, MONDO:0003582. Disease mechanism: loss of function.

Submissions (2):

University of Washington Department of Laboratory Medicine, University of Washington
Classification: Likely benign for Hereditary cancer-predisposing syndrome. Last evaluated: 2023-03-23. Review status: criteria provided, single submitter. Criteria: Dines et al. (Genet Med. 2020). Collection method: curation. Allele origin: germline.
Comment: Missense variant in a coldspot region where missense variants are very unlikely to be pathogenic (PMID:31911673).

BRCA2 exon 11 coldspot. Reclassification based on statistical prior probability.

Labcorp Genetics (formerly Invitae), Labcorp
Classification: Uncertain significance for Hereditary breast ovarian cancer syndrome. Last evaluated: 2021-04-21. Review status: criteria provided, single submitter. Criteria: Invitae Variant Classification Sherloc (09022015). Collection method: clinical testing. Allele origin: germline.
Comment: In summary, the available evidence is currently insufficient to determine the role of this variant in disease. Therefore, it has been classified as a Variant of Uncertain Significance. Advanced modeling of protein sequence and biophysical properties (such as structural, functional, and spatial information, amino acid conservation, physicochemical variation, residue mobility, and thermodynamic stability) performed at Invitae indicates that this missense variant is not expected to disrupt BRCA2 protein function. This variant has not been reported in the literature in individuals with BRCA2-related conditions. This variant is not present in population databases (ExAC no frequency). This sequence change replaces asparagine with serine at codon 918 of the BRCA2 protein (p.Asn918Ser). The asparagine residue is weakly conserved and there is a small physicochemical difference between asparagine and serine.